The following is an entry in ClinVar:

NM_001267550.2(TTN):c.78192_78193del (p.Arg26064fs)

Genes: TTN (titin; minus strand), TTN-AS1 (TTN antisense RNA 1; plus strand). Cytogenetic location: 2q31.2.
Variant type: Microsatellite.
Coding change: c.78192_78193del on transcript NM_001267550.2 (MANE Select); coding-DNA positions 78192 to 78193, 2 bases deleted (AG; older notation c.78192_78193delAG).
Protein change: p.Arg26064fs; shifts the reading frame from arginine 26064.
Molecular consequence: frameshift variant.
Genome position (GRCh38, 1-based): chr2:178,567,939-178,567,940, CT deleted on the plus strand (AG on the coding strand, the reverse complement: TTN is on the minus strand); deleting any 2 consecutive bases within chr2:178,567,939-178,567,942 gives the same sequence; the c. name uses the placement nearest the transcript's 3' end. VCF-style (leftmost placement, unchanged base first): chr2-178567938-ACT-A. GRCh37 (hg19) VCF-style: chr2-179432665-ACT-A.
Other names: c.50997_50998delAG (NM_003319.4); c.73269_73270del, p.Arg24423fs (NM_001256850.1); c.50997_50998del, p.Arg16999fs (NM_003319.4); c.70488_70489del, p.Arg23496fs (NM_133378.4); c.51372_51373del, p.Arg17124fs (NM_133432.3); c.51573_51574del, p.Arg17191fs (NM_133437.4); short protein forms R17124fs, R23496fs, R16999fs, R17191fs, R26064fs, R24423fs.
Identifiers: ClinVar variation 2945527 (VCV002945527.4), dbSNP rs2468343120, ClinGen allele CA2740096335.

ClinVar aggregate classification (germline): Likely pathogenic. Review status: criteria provided, multiple submitters, no conflicts (2 of 4 stars). 2 submissions from 2 submitters: Likely pathogenic (2). Last evaluated 2025-07-17.

Conditions:
Cardiovascular phenotype. Identifiers: MedGen CN230736.
Dilated cardiomyopathy 1G (CMD1G). Identifiers: Orphanet 154, MedGen C1858763, MONDO:0011400, OMIM 604145.
Autosomal recessive limb-girdle muscular dystrophy type 2J (LGMDR10). Also called: Limb-girdle muscular dystrophy, type 2J; MUSCULAR DYSTROPHY, LIMB-GIRDLE, AUTOSOMAL RECESSIVE 10. Identifiers: Orphanet 140922, MedGen C1837342, MONDO:0012127, OMIM 608807.

Submissions (2):

Ambry Genetics
Classification: Likely pathogenic for Cardiovascular phenotype. Last evaluated: 2025-07-17. Review status: criteria provided, single submitter. Criteria: Ambry Variant Classification Scheme 2023. Collection method: clinical testing. Allele origin: germline.
Comment: The c.50997_50998delAG variant, located in coding exon 153 of the TTN gene, results from a deletion of two nucleotides at nucleotide positions 50997 to 50998, causing a translational frameshift with a predicted alternate stop codon (p.R16999Sfs*4). This exon is located in the A-band region of the N2-B isoform of the titin protein and is constitutively expressed in TTN transcripts (percent spliced in or PSI 100%). This variant is considered to be rare based on population cohorts in the Genome Aggregation Database (gnomAD). This variant is expected to result in loss of function by premature protein truncation or nonsense-mediated mRNA decay. While truncating variants in TTN are present in 1-3% of the general population, truncating variants in the A-band are the most common cause of dilated cardiomyopathy (Herman DS et al. N. Engl. J. Med., 2012 Feb;366:619-28; Roberts AM et al. Sci Transl Med, 2015 Jan;7:270ra6). TTN truncating variants encoded in constitutive exons (PSI >90%) have been found to be significantly associated with DCM regardless of their position in titin (Schafer S et al. Nat. Genet., 2017 01;49:46-53; Akhtar MM et al. Circ Heart Fail, 2020 Oct;13:e006832; Massier M et al. Clin Genet, 2025 Jan). Based on the majority of available evidence to date, this variant is likely to be pathogenic.

Labcorp Genetics (formerly Invitae), Labcorp
Classification: Likely pathogenic for Dilated cardiomyopathy 1G; Autosomal recessive limb-girdle muscular dystrophy type 2J. Last evaluated: 2023-03-20. Review status: criteria provided, single submitter. Criteria: Invitae Variant Classification Sherloc (09022015). Collection method: clinical testing. Allele origin: germline.
Comment: This variant is not present in population databases (gnomAD no frequency). In summary, the currently available evidence indicates that the variant is pathogenic, but additional data are needed to prove that conclusively. Therefore, this variant has been classified as Likely Pathogenic. This variant is located in the A band of TTN (PMID: 25589632). Truncating variants in this region are significantly overrepresented in patients affected with dilated cardiomyopathy (PMID: 25589632). Truncating variants in this region have also been reported in individuals affected with autosomal recessive centronuclear myopathy (PMID: 23975875). This variant has not been reported in the literature in individuals affected with TTN-related conditions. This sequence change creates a premature translational stop signal (p.Arg26064Serfs*4) in the TTN gene. While this is not anticipated to result in nonsense mediated decay, it is expected to create a truncated TTN protein.

Literature cited by the submitters: PubMed 25589632 (cited by Labcorp Genetics (formerly Invitae), Labcorp); PubMed 23975875 (cited by Labcorp Genetics (formerly Invitae), Labcorp).